The following is an entry in ClinVar:

ClinVar aggregate classification (germline): Uncertain significance (1 of 4 stars; one submission).

Conditions:
Epilepsy, familial focal, with variable foci 3 (FFEVF3). Identifiers: MedGen C4310708, MONDO:0014925, OMIM 617118.

Allele frequency attached by ClinVar (database versions not stated): gnomAD exomes below 0.00001.
gnomAD v4.1: 1 of 1,608,536 alleles (0.000062%); highest among the groups gnomAD compares: Admixed American, 0.0017%; no homozygotes.

Submission:

Labcorp Genetics (formerly Invitae), Labcorp
Classification: Uncertain significance for Epilepsy, familial focal, with variable foci 3. Last evaluated: 2022-07-18. Review status: criteria provided, single submitter. Criteria: Invitae Variant Classification Sherloc (09022015). Collection method: clinical testing. Allele origin: germline.
Comment: In summary, the available evidence is currently insufficient to determine the role of this variant in disease. Therefore, it has been classified as a Variant of Uncertain Significance. Experimental studies and prediction algorithms are not available or were not evaluated, and the functional significance of this variant is currently unknown. ClinVar contains an entry for this variant (Variation ID: 1504550). This variant has not been reported in the literature in individuals affected with NPRL3-related conditions. This variant is not present in population databases (gnomAD no frequency). This sequence change replaces glycine with arginine at codon 186 of the NPRL3 protein (p.Gly186Arg). The glycine residue is moderately conserved and there is a moderate physicochemical difference between glycine and arginine.

NM_001077350.3(NPRL3):c.556G>C (p.Gly186Arg)

Genes: HBA-LCR (alpha-globin locus control region; plus strand), NPRL3 (NPR3 like, GATOR1 complex subunit; minus strand). Cytogenetic location: 16p13.3.
Variant type: single nucleotide variant.
Coding change: c.556G>C on transcript NM_001077350.3 (MANE Select); coding-DNA position 556, G replaced by C.
Protein change: p.Gly186Arg; replaces glycine 186 with arginine.
Molecular consequence: missense variant.
Genome position (GRCh38, 1-based): chr16:110,598, C>G on the plus strand (G>C on the coding strand, the complement: NPRL3 is on the minus strand). VCF-style: chr16-110598-C-G. GRCh37 (hg19) VCF-style: chr16-160596-C-G.
Other names: c.19G>C, p.Gly7Arg (NM_001039476.3); c.322G>C, p.Gly108Arg (NM_001243247.2); c.481G>C, p.Gly161Arg (NM_001243248.2, NM_001243249.2); short protein forms G108R, G161R, G186R, G7R.
Identifiers: ClinVar variation 1504550 (VCV001504550.6), dbSNP rs2141946228, ClinGen allele CA393992978.